The following is an entry in ClinVar:

NM_001267550.2(TTN):c.94855C>T (p.Arg31619Ter)

Genes: TTN (titin; minus strand), TTN-AS1 (TTN antisense RNA 1; plus strand). Cytogenetic location: 2q31.2.
Variant type: single nucleotide variant.
Coding change: c.94855C>T on transcript NM_001267550.2 (MANE Select); coding-DNA position 94855, C replaced by T.
Protein change: p.Arg31619Ter; replaces arginine 31619 with a stop codon.
Molecular consequence: nonsense.
Genome position (GRCh38, 1-based): chr2:178,546,476, G>A on the plus strand (C>T on the coding strand, the complement: TTN is on the minus strand). VCF-style: chr2-178546476-G-A. GRCh37 (hg19) VCF-style: chr2-179411203-G-A.
Other names: c.89932C>T, p.Arg29978Ter (NM_001256850.1); c.67660C>T, p.Arg22554Ter (NM_003319.4); c.87151C>T, p.Arg29051Ter (NM_133378.4); c.68035C>T, p.Arg22679Ter (NM_133432.3); c.68236C>T, p.Arg22746Ter (NM_133437.4); c.94855C>T (NM_001267550.1, LRG_391t1); short protein forms R31619*, R22554*, R22679*, R22746*, R29051*, R29978*.
Identifiers: ClinVar variation 223389 (VCV000223389.29), dbSNP rs869312121, ClinGen allele CA353192.

ClinVar aggregate classification (germline): Pathogenic/Likely pathogenic. Review status: criteria provided, multiple submitters, no conflicts (2 of 4 stars). 9 submissions from 9 submitters: Pathogenic (5); Likely pathogenic (4). Last evaluated 2026-03-13.

Conditions:
Cardiovascular phenotype. Identifiers: MedGen CN230736.
Autosomal recessive limb-girdle muscular dystrophy type 2J (LGMDR10). Also called: Limb-girdle muscular dystrophy, type 2J; MUSCULAR DYSTROPHY, LIMB-GIRDLE, AUTOSOMAL RECESSIVE 10. Identifiers: Orphanet 140922, MedGen C1837342, MONDO:0012127, OMIM 608807.
Dilated cardiomyopathy 1G (CMD1G). Identifiers: Orphanet 154, MedGen C1858763, MONDO:0011400, OMIM 604145.
Hypertrophic cardiomyopathy 9. Also called: Familial hypertrophic cardiomyopathy 9. Identifiers: MedGen C1861065, MONDO:0013412, OMIM 613765.
Primary dilated cardiomyopathy (DCM). Also called: Dilated Cardiomyopathy. Identifiers: Orphanet 217604, MedGen C0007193, MeSH D002311, MONDO:0005021, HP:0001644. Inheritance: Various modes of inheritance.

Allele frequency attached by ClinVar (database versions not stated): gnomAD exomes below 0.00001; TOPMed below 0.00001; gnomAD 0.00001.
gnomAD v4.1: 4 of 1,612,500 alleles (0.00025%); highest among the groups gnomAD compares: Non-Finnish European, 0.00034%; no homozygotes.

Submissions (9):

Dasa
Classification: Pathogenic. Last evaluated: 2026-03-13. Review status: criteria provided, single submitter. Criteria: DASA Assertion Criteria. Collection method: clinical testing. Allele origin: germline.
Comment: NM_001267550.2(TTN):c.94855C>T (p.Arg31619*) introduces a premature termination codon predicted to result in loss of normal protein function. Loss-of-function is an established mechanism of disease for this gene. This variant has been recurrently observed in individuals with related phenotype (PMID: 25589632; PMID: 28611029; PMID: 35177841). The variant is present at low frequency in population datasets. Based on the available data, this variant is classified as pathogenic.

3billion
Classification: Pathogenic for Autosomal recessive limb-girdle muscular dystrophy type 2J. Last evaluated: 2026-01-21. Review status: criteria provided, single submitter. Criteria: ACMG Guidelines, 2015. Collection method: clinical testing. Allele origin: germline. Affected: yes.
Comment: The variant is observed at an extremely low frequency in the gnomAD v4.1.0 dataset (total allele frequency: <0.001%). Predicted Consequence/Location: Stop-gained (nonsense): predicted to result in a loss or disruption of normal protein function through nonsense-mediated decay (NMD) or protein truncation. Multiple pathogenic variants are reported downstream of the variant. The variant has been reported at least twice as pathogenic with clinical assertions and evidence for the classification (ClinVar ID: VCV000223389). Therefore, this variant is classified as Pathogenic according to the recommendation of ACMG/AMP guideline.

Labcorp Genetics (formerly Invitae), Labcorp
Classification: Pathogenic for Dilated cardiomyopathy 1G; Autosomal recessive limb-girdle muscular dystrophy type 2J. Last evaluated: 2025-10-23. Review status: criteria provided, single submitter. Criteria: Invitae Variant Classification Sherloc (09022015). Collection method: clinical testing. Allele origin: germline.
Comment: This sequence change creates a premature translational stop signal (p.Arg31619*) in the TTN gene. While this is not anticipated to result in nonsense mediated decay, it is expected to create a truncated TTN protein. This variant is not present in population databases (gnomAD no frequency). This premature translational stop signal has been observed in individuals with dilated cardiomyopathy (PMID: 25589632, 28611029; internal data). ClinVar contains an entry for this variant (Variation ID: 223389). This variant is located in the A band of TTN (PMID: 25589632). Truncating variants in this region are significantly overrepresented in patients affected with dilated cardiomyopathy (PMID: 25589632). Truncating variants in this region have also been reported in individuals affected with autosomal recessive centronuclear myopathy (PMID: 23975875). For these reasons, this variant has been classified as Pathogenic.

CeGaT Center for Human Genetics Tuebingen
Classification: Likely pathogenic. Last evaluated: 2024-08-01. Review status: criteria provided, single submitter. Criteria: CeGaT Center For Human Genetics Tuebingen Variant Classification Criteria Version 2. Collection method: clinical testing. Allele origin: germline. Affected: yes. Observed: 1 variant allele.
Comment: TTN: PVS1:Strong, PM2, PS4:Moderate

New York Genome Center
Classification: Likely pathogenic for Dilated cardiomyopathy 1G; Hypertrophic cardiomyopathy 9. Last evaluated: 2023-01-23. Review status: criteria provided, single submitter. Criteria: NYGC Assertion Criteria 2020. Collection method: clinical testing. Allele origin: germline. Observed: 1 heterozygote.
Comment: The c.94855C>T p.(Arg31619Ter) variant in the TTN gene has previously been deposited in ClinVar [ClinVar ID: 223389] as Likely Pathogenic/Pathogenic and has been reported in 3 affected individuals with dilated cardiomyopathy or atrial fibrillation in the literature [PMID:25589632, 28611029,35177841]. The c.94855C>T variant is observed in 1 allele (~0.0003% minor allele frequency with 0 homozygotes) in population databases (gnomAD v2.1.1 and v3.1.2,TOPMed Freeze 8), suggesting it is not a common benign variant in the populations represented in those databases. The c.94855C>T variant in TTN is located inexon 342 of this 363-exon gene, predicted to incorporate a premature termination codon (p.(Arg31619Ter)), and is expected to result in loss-of-function either through protein truncation or nonsense-mediated mRNA decay. The p.(Arg31619Ter) residue is within the A-band of TTN, where most variants associated with dilated cardiomyopathy are located [PMID:26777568, 27869827, 28045975]. Based on available evidence, this c.94855C>T p.(Arg31619Ter) variant identified in the TTN gene is classified as Likely Pathogenic.

GeneDx
Classification: Pathogenic. Last evaluated: 2022-12-14. Review status: criteria provided, single submitter. Criteria: GeneDx Variant Classification Process June 2021. Collection method: clinical testing. Allele origin: germline. Affected: yes.
Comment: Identified in a cohort of DCM patients; no clinical or segregation data available (Roberts et al., 2015); Nonsense variant predicted to result in protein truncation or nonsense mediated decay in a gene for which loss-of-function is a known mechanism of disease; Located in the A-band region of titin, where the majority of truncating pathogenic variants associated with DCM have been reported (Herman et al., 2012); Not observed in large population cohorts (gnomAD); This variant is associated with the following publications: (PMID: 25589632, 35177841)

Ambry Genetics
Classification: Pathogenic for Cardiovascular phenotype. Last evaluated: 2022-06-02. Review status: criteria provided, single submitter. Criteria: Ambry Variant Classification Scheme 2023. Collection method: clinical testing. Allele origin: germline.
Comment: The p.R22554* pathogenic mutation (also known as c.67660C>T), located in coding exon 169 of the TTN gene, results from a C to T substitution at nucleotide position 67660. This changes the amino acid from an arginine to a stop codon within coding exon 169. This exon is located in the A-band region of the N2-B isoform of the titin protein and is constitutively expressed in TTN transcripts (percent spliced in or PSI 100%). This variant (referred to as p.R31619*, c.94855C>T) has been detected in individuals reported to have dilated cardiomyopathy (Roberts AM et al. Sci Transl Med, 2015 Jan;7:270ra6; Haskell GT et al. Circ Cardiovasc Genet, 2017 Jun;10). This alteration is expected to result in loss of function by premature protein truncation or nonsense-mediated mRNA decay. While truncating variants in TTN are present in 1-3% of the general population, truncating variants in the A-band are the most common cause of dilated cardiomyopathy (DCM) (Herman DS et al. N. Engl. J. Med., 2012 Feb;366:619-28; Roberts AM et al. Sci Transl Med, 2015 Jan;7:270ra6). TTN truncating variants encoded in constitutive exons (PSI >90%) have been found to be significantly associated with DCM regardless of their position in titin (Schafer S et al. Nat. Genet., 2017 01;49:46-53). Based on the supporting evidence, this alteration is interpreted as a disease-causing mutation.

Victorian Clinical Genetics Services, Murdoch Childrens Research Institute
Classification: Likely pathogenic for Dilated cardiomyopathy 1G. Last evaluated: 2020-05-21. Review status: criteria provided, single submitter. Criteria: ACMG Guidelines, 2015. Collection method: clinical testing. Allele origin: germline. Affected: yes.
Comment: Based on the classification scheme VCGS_Germline_v1.1.1, this variant is classified as likely pathogenic. Following criteria are met: 0102 - Loss-of-function is a known mechanism of disease for this gene. (N) 0104 - Dominant Negative is a mechanism of disease for this gene. (N) 0108 - This gene is known to be associated with both recessive and dominant disease. Autosomal recessive for limb-girdle muscular dystrophy and autosomal dominant for familial hypertrophic cardiomyopathy, myofibrillar myopathy and tibial muscular dystrophy. (OMIM). (N) 0112 - Variants in this gene are known to have reduced penetrance (Franaszczyk, M. et al. (2017)). (N) 0201 - Variant is predicted to cause nonsense-mediated decay (NMD) and loss of protein. (P) 0251 - Variant is heterozygous. (N) 0301 - Variant is absent from gnomAD. (P) 0507 - Identified variant type is not compatible with in-silico predictions of pathogenicity. (N) 0602 - Variant is located in a hotspot region or cluster of pathogenic variants. TTN A-band, PSI=1 (Roberts, A. et al. (2015)) (P) 0703 - Comparable variants have moderate previous evidence for pathogenicity. All TTN truncating variants in this region are likely pathogenic or pathogenic. (ClinVar, Decipher) (P) 0803 - Low previous evidence of pathogenicity in unrelated individuals. Reported as likely pathogenic in a DCM proband (Roberts, A. et al. (2015)) (P) 0905 - No segregation evidence has been identified for this variant. (N) 1007 - No published functional evidence has been identified for this variant. (N) 1208 - Inheritance information for this variant is not currently available. (N) Legend: (P) - Pathogenic, (N) - Neutral, (B) - Benign

Cardiovascular Biomedical Research Unit, Royal Brompton & Harefield NHS Foundation Trust
Classification: Likely pathogenic for Primary dilated cardiomyopathy. Last evaluated: 2014-10-08. Review status: criteria provided, single submitter. Criteria: Roberts et al. 2015. Collection method: research. Allele origin: germline. Inheritance: Autosomal dominant inheritance. Affected: yes. Observed: 1 variant allele. Study: Familial DCM.
Comment: In the seven cohorts assessed, TTNtv were found in 14% of ambulant DCM, 22% end-stage or familial DCM, and 2% controls. Heterozygous nonsense, frameshift and canonical splice-disrupting variants found in constitutive and other highly utilised exons are highly likely to be pathogenic when identified in individuals with phenotypically confirmed DCM. TTNtv found incidentally in healthy individuals (excluding familial assessment of DCM relatives) are thought to have low penetrance, particularly when identified in exons that are not constitutively expressed in the heart.

Literature cited by the submitters: PubMed 25589632 (cited by 5 submitters); PubMed 28611029 (cited by 4 submitters); PubMed 35177841 (cited by Dasa and New York Genome Center); PubMed 23975875 (cited by Labcorp Genetics (formerly Invitae), Labcorp); PubMed 31286020 (cited by Victorian Clinical Genetics Services, Murdoch Childrens Research Institute).